The following is an entry in ClinVar:

ClinVar aggregate classification (germline): Uncertain significance (1 of 4 stars; one submission).

Conditions:
Fanconi anemia complementation group O. Also called: RAD51C-Related Fanconi Anemia. Identifiers: Orphanet 84, MedGen C3150653, MONDO:0013248, OMIM 613390.

Submission:

Labcorp Genetics (formerly Invitae), Labcorp
Classification: Uncertain significance for Fanconi anemia complementation group O. Last evaluated: 2017-09-29. Review status: criteria provided, single submitter. Criteria: Invitae Variant Classification Sherloc (09022015). Collection method: clinical testing. Allele origin: germline.
Comment: In summary, the available evidence is currently insufficient to determine the role of this variant in disease. Therefore, it has been classified as a Variant of Uncertain Significance. Algorithms developed to predict the effect of missense changes on protein structure and function output the following: SIFT: "Tolerated"; PolyPhen-2: "Benign"; Align-GVGD: "Class C0". The glycine amino acid residue is found in multiple mammalian species, suggesting that this missense change does not adversely affect protein function. These predictions have not been confirmed by published functional studies and their clinical significance is uncertain. This variant has not been reported in the literature in individuals with RAD51C-related disease. This variant is not present in population databases (ExAC no frequency). This sequence change replaces glutamic acid with glycine at codon 40 of the RAD51C protein (p.Glu40Gly). The glutamic acid residue is weakly conserved and there is a moderate physicochemical difference between glutamic acid and glycine.

NM_058216.3(RAD51C):c.119A>G (p.Glu40Gly)

Gene: RAD51C (RAD51 paralog C; plus strand). Cytogenetic location: 17q22.
Variant type: single nucleotide variant.
Coding change: c.119A>G on transcript NM_058216.3 (MANE Select); coding-DNA position 119, A replaced by G.
Protein change: p.Glu40Gly; replaces glutamic acid 40 with glycine.
Molecular consequence: missense variant. On other transcripts: non-coding transcript variant (1).
Genome position (GRCh38, 1-based): chr17:58,692,762, A>G. VCF-style: chr17-58692762-A-G. GRCh37 (hg19) VCF-style: chr17-56770123-A-G.
Other names: c.119A>G, p.Glu40Gly (NM_002876.4); short protein forms E40G.
Identifiers: ClinVar variation 538767 (VCV000538767.8), dbSNP rs1555592039, ClinGen allele CA400337546.
Genomic context (GRCh38, chr17:58,692,762, plus strand): 5'-CTCCAGCGGTGCGGGTGAAGCTGGTGTCTGCGGGGTTCCAGACTGCTGAGGAACTCCTAG[A>G]GGTGAAACCCTCCGAGCTTAGCAAAGGTAACGACTCCTGATGGCAAGCTGAGGCACACCG-3'
Protein context (NP_478123.1, residues 30-50): AGFQTAEELL[Glu40Gly]VKPSELSKEV